The following is an entry in ClinVar:

NM_001267550.2(TTN):c.91326del (p.Lys30442fs)

Genes: TTN (titin; minus strand), TTN-AS1 (TTN antisense RNA 1; plus strand). Cytogenetic location: 2q31.2.
Variant type: Deletion.
Coding change: c.91326del on transcript NM_001267550.2 (MANE Select); coding-DNA position 91326, one base deleted (A; older notation c.91326delA).
Protein change: p.Lys30442fs; shifts the reading frame from lysine 30442.
Molecular consequence: frameshift variant.
Genome position (GRCh38, 1-based): chr2:178,551,205, T deleted on the plus strand (A on the coding strand, the reverse complement: TTN is on the minus strand); the first of 3 consecutive T bases (chr2:178,551,205-178,551,207); deleting any one gives the same sequence. VCF-style (leftmost placement, unchanged base first): chr2-178551204-AT-A. GRCh37 (hg19) VCF-style: chr2-179415931-AT-A.
Other names: c.86403del, p.Lys28801fs (NM_001256850.1); c.64131del, p.Lys21377fs (NM_003319.4); c.83622del, p.Lys27874fs (NM_133378.4); c.64506del, p.Lys21502fs (NM_133432.3); c.64707del, p.Lys21569fs (NM_133437.4); c.91326delA (NM_001267550.2); short protein forms K21377fs, K21502fs, K21569fs, K27874fs, K28801fs, K30442fs.
Identifiers: ClinVar variation 3358237 (VCV003358237.1).

ClinVar aggregate classification (germline): Likely pathogenic (0 of 4 stars; one submission).

Conditions:
TTN-related disorder. Also called: TTN-related condition; TTN-related disease; TTN-related disorders.

Submission:

PreventionGenetics, part of Exact Sciences
Classification: Likely pathogenic for TTN-related condition. Last evaluated: 2024-04-04. Review status: no assertion criteria provided. Collection method: clinical testing. Allele origin: germline.
Comment: The TTN c.91326delA variant is predicted to result in a frameshift and premature protein termination (p.Lys30442Asnfs*28). To our knowledge, this variant has not been reported in the literature or in a large population database, indicating this variant is rare. The c.91326del variant is located in the A-band region of the protein in which truncating TTN variants have been found more frequently in dilated cardiomyopathy patients than in controls (Herman et al. 2012. PubMed ID: 22335739). RNAseq studies from heart tissue indicate the exon including the c.91326del variant is commonly included in TTN mRNA transcripts (PSI of 98%-100%, Roberts et al. 2015. PubMed ID: 25589632). TTN truncating variants are reported in 1-2% of presumably healthy individuals but occur more frequently in exons with low PSI values, indicating the c.91326del variant is more likely to be disease causing for TTN cardiac-related disorders (Roberts et al. 2015. PubMed ID: 25589632; Herman et al. 2012. PubMed ID: 22335739). Many cases of recessive TTN-related myopathies in which the individual is compound heterozygous for two loss of function variants in TTN have also been reported (See Ceyhan-Birsoy et al. 2013. PubMed ID: 23975875; Chauveau et al. 2014. PubMed ID: 24105469; Evilä et al. 2016. PubMed ID: 27796757; Ge et al. 2019. PubMed ID: 31053406; Oates et al. 2018. PubMed ID: 29691892; Bryen et al. 2020. PubMed ID: 31660661). In summary, the c.91326del variant is categorized as likely pathogenic. Of note, this variant is considered likely pathogenic for increased risk of TTN-related cardiac disorders, and also for autosomal recessive severe congenital titinopathies when in the presence of an additional loss-of-function TTN variant.